The following is an entry in ClinVar:

ClinVar aggregate classification (germline): Uncertain significance. Review status: criteria provided, multiple submitters, no conflicts (2 of 4 stars). 2 submissions from 2 submitters: Uncertain significance (2). Last evaluated 2023-12-01.

Conditions:
Familial adenomatous polyposis 2. Also called: MUTYH-associated polyposis; MUTYH-related attenuated familial adenomatous polyposis; FAP type 2; Adenomas, multiple colorectal; MYH-associated polyposis; MUTYH Polyposis. Identifiers: Orphanet 220460, Orphanet 247798, MedGen C3272841, MONDO:0012041, OMIM 608456.
Hereditary cancer-predisposing syndrome. Also called: Hereditary Cancer Syndrome; Hereditary neoplastic syndrome; Neoplastic Syndromes, Hereditary; Tumor predisposition. Identifiers: Orphanet 140162, MedGen C0027672, MeSH D009386, MONDO:0015356.

Allele frequency attached by ClinVar (database versions not stated): gnomAD exomes below 0.00001.
gnomAD v4.1: 1 of 1,614,184 alleles (0.000062%); highest among the groups gnomAD compares: African/African-American, 0.0013%; no homozygotes.

Submissions (2):

Ambry Genetics
Classification: Uncertain significance for Hereditary cancer-predisposing syndrome. Last evaluated: 2023-12-01. Review status: criteria provided, single submitter. Criteria: Ambry Variant Classification Scheme 2023. Collection method: clinical testing. Allele origin: germline.
Comment: The p.Q141P variant (also known as c.422A>C), located in coding exon 5 of the MUTYH gene, results from an A to C substitution at nucleotide position 422. The glutamine at codon 141 is replaced by proline, an amino acid with similar properties. This amino acid position is conserved. In addition, this alteration is predicted to be deleterious by in silico analysis. Since supporting evidence is limited at this time, the clinical significance of this alteration remains unclear.

Labcorp Genetics (formerly Invitae), Labcorp
Classification: Uncertain significance for Familial adenomatous polyposis 2. Last evaluated: 2022-03-20. Review status: criteria provided, single submitter. Criteria: Invitae Variant Classification Sherloc (09022015). Collection method: clinical testing. Allele origin: germline.
Comment: Algorithms developed to predict the effect of missense changes on protein structure and function are either unavailable or do not agree on the potential impact of this missense change (SIFT: "Deleterious"; PolyPhen-2: "Probably Damaging"; Align-GVGD: "Class C15"). This variant has not been reported in the literature in individuals affected with MUTYH-related conditions. In summary, the available evidence is currently insufficient to determine the role of this variant in disease. Therefore, it has been classified as a Variant of Uncertain Significance. This sequence change replaces glutamine, which is neutral and polar, with proline, which is neutral and non-polar, at codon 141 of the MUTYH protein (p.Gln141Pro). This variant is not present in population databases (gnomAD no frequency).

NM_001048174.2(MUTYH):c.338A>C (p.Gln113Pro)

Gene: MUTYH (mutY DNA glycosylase; minus strand). Cytogenetic location: 1p34.1.
Variant type: single nucleotide variant.
Coding change: c.338A>C on transcript NM_001048174.2 (MANE Select); coding-DNA position 338, A replaced by C.
Protein change: p.Gln113Pro; replaces glutamine 113 with proline.
Molecular consequence: missense variant. On other transcripts: non-coding transcript variant (1), intron variant (2).
Genome position (GRCh38, 1-based): chr1:45,333,137, T>G on the plus strand (A>C on the coding strand, the complement: MUTYH is on the minus strand). VCF-style: chr1-45333137-T-G. GRCh37 (hg19) VCF-style: chr1-45798809-T-G.
Other names: c.338A>C, p.Gln113Pro (NM_001048171.2, NM_001048173.2, NM_001293195.2 and 6 more transcripts); c.341A>C, p.Gln114Pro (NM_001048172.2, NM_001407071.1, NM_001407078.1 and 2 more transcripts); c.422A>C, p.Gln141Pro (NM_001128425.2); c.383A>C, p.Gln128Pro (NM_001293190.2); c.371A>C, p.Gln124Pro (NM_001293191.2, NM_001407077.1); c.62A>C, p.Gln21Pro (NM_001293192.2, NM_001293196.2, NM_001407091.1); c.413A>C, p.Gln138Pro (NM_001407069.1, NM_012222.3); c.380A>C, p.Gln127Pro (NM_001407073.1, NM_001407083.1, NM_001407085.1); and 3 more; short protein forms Q114P, Q127P, Q85P, Q113P, Q124P, Q128P, Q120P, Q138P.
Identifiers: ClinVar variation 1738876 (VCV001738876.7), dbSNP rs2524224173, ClinGen allele CA340136149.
Genomic context (GRCh38, chr1:45,333,137, plus strand): 5'-CCTTCCTCCCCTGGAGTCACCTGCATCCATCCGGTATAGTAGTTGATCACAGTGGCAACC[T>G]GGGTCTGCTGCAGCATGACCTCTGAGACCCACACTGGGGGAAAGGGGTTGGCATGAGGAC-3'
Protein context (NP_001041639.1, residues 103-123): WVSEVMLQQT[Gln113Pro]VATVINYYTG